The following is an entry in ClinVar:

NM_022765.4(MICAL1):c.2461C>G (p.Leu821Val)

Gene: MICAL1 (microtubule associated monooxygenase, calponin and LIM domain containing 1; minus strand). Cytogenetic location: 6q21.
Variant type: single nucleotide variant.
Coding change: c.2461C>G on transcript NM_022765.4 (MANE Select); coding-DNA position 2461, C replaced by G.
Protein change: p.Leu821Val; replaces leucine 821 with valine.
Molecular consequence: missense variant.
Genome position (GRCh38, 1-based): chr6:109,446,256, G>C on the plus strand (C>G on the coding strand, the complement: MICAL1 is on the minus strand). VCF-style: chr6-109446256-G-C. GRCh37 (hg19) VCF-style: chr6-109767459-G-C.
Other names: c.2203C>G, p.Leu735Val (NM_001159291.2); c.2518C>G, p.Leu840Val (NM_001286613.2); c.2461C>G (NM_022765.3); short protein forms L735V, L821V, L840V.
Identifiers: ClinVar variation 2184421 (VCV002184421.5), dbSNP rs952761743, ClinGen allele CA145117270.

ClinVar aggregate classification (germline): Uncertain significance. Review status: criteria provided, multiple submitters, no conflicts (2 of 4 stars). 2 submissions from 2 submitters: Uncertain significance (2). Last evaluated 2025-07-15.

Allele frequency attached by ClinVar (database versions not stated): gnomAD exomes 0.00001; TOPMed 0.00001.

Submissions (2):

Ambry Genetics
Classification: Uncertain significance. Last evaluated: 2025-07-15. Review status: criteria provided, single submitter. Criteria: Ambry Variant Classification Scheme 2023. Collection method: clinical testing. Allele origin: germline.

Labcorp Genetics (formerly Invitae), Labcorp
Classification: Uncertain significance. Last evaluated: 2024-09-06. Review status: criteria provided, single submitter. Criteria: Invitae Variant Classification Sherloc (09022015). Collection method: clinical testing. Allele origin: germline.
Comment: This sequence change replaces leucine, which is neutral and non-polar, with valine, which is neutral and non-polar, at codon 840 of the MICAL1 protein (p.Leu840Val). This variant is present in population databases (no rsID available, gnomAD 0.002%). This variant has not been reported in the literature in individuals affected with MICAL1-related conditions. ClinVar contains an entry for this variant (Variation ID: 2184421). An algorithm developed to predict the effect of missense changes on protein structure and function (PolyPhen-2) suggests that this variant is likely to be tolerated. In summary, the available evidence is currently insufficient to determine the role of this variant in disease. Therefore, it has been classified as a Variant of Uncertain Significance.